The following is an entry in ClinVar:

ClinVar aggregate classification (germline): Likely benign (1 of 4 stars; one submission).

Submission:

CeGaT Center for Human Genetics Tuebingen
Classification: Likely benign. Last evaluated: 2024-01-01. Review status: criteria provided, single submitter. Criteria: CeGaT Center For Human Genetics Tuebingen Variant Classification Criteria Version 2. Collection method: clinical testing. Allele origin: germline. Affected: yes. Observed: 1 variant allele.
Comment: PRR27: BP4, BP7

NM_214711.4(PRR27):c.456C>A (p.Ala152=)

Gene: PRR27 (proline rich 27; plus strand). Cytogenetic location: 4q13.3.
Variant type: single nucleotide variant.
Coding change: c.456C>A on transcript NM_214711.4 (MANE Select); coding-DNA position 456, C replaced by A.
Protein change: p.Ala152=; no amino-acid change (alanine 152 retained).
Molecular consequence: synonymous variant.
Genome position (GRCh38, 1-based): chr4:70,158,708, C>A. VCF-style: chr4-70158708-C-A. GRCh37 (hg19) VCF-style: chr4-71024425-C-A.
Identifiers: ClinVar variation 3024756 (VCV003024756.22), dbSNP rs201362547, ClinGen allele CA98949959.